The following is an entry in ClinVar:

NM_003331.5(TYK2):c.2033T>C (p.Val678Ala)

Gene: TYK2 (tyrosine kinase 2; minus strand). Cytogenetic location: 19p13.2.
Variant type: single nucleotide variant.
Coding change: c.2033T>C on transcript NM_003331.5 (MANE Select); coding-DNA position 2033, T replaced by C.
Protein change: p.Val678Ala; replaces valine 678 with alanine.
Molecular consequence: missense variant.
Genome position (GRCh38, 1-based): chr19:10,361,525, A>G on the plus strand (T>C on the coding strand, the complement: TYK2 is on the minus strand). VCF-style: chr19-10361525-A-G. GRCh37 (hg19) VCF-style: chr19-10472201-A-G.
Other names: c.2033T>C (LRG_121t1); short protein forms V678A.
Identifiers: ClinVar variation 536640 (VCV000536640.7), dbSNP rs1555718506, ClinGen allele CA404001677.
Genomic context (GRCh38, chr19:10,361,525, plus strand): 5'-AGGGGTGGCCTGCCAAAGGGGGATGGGTATGGCGGGACCCACTCACTTTCAGGGCCGCGC[A>G]CACAGACGCCATGCACGAAGGCCAGGTGCGTGTGGGAGACCTGGCTCATGAGGCTGGCTG-3'
Protein context (NP_003322.3, residues 668-688): THLAFVHGVC[Val678Ala]RGPENIMVTE

ClinVar aggregate classification (germline): Uncertain significance. Review status: criteria provided, multiple submitters, no conflicts (2 of 4 stars). 2 submissions from 2 submitters: Uncertain significance (2). Last evaluated 2024-11-24.

Conditions:
Immunodeficiency 35 (IMD35). Also called: HIES WITH ATYPICAL MYCOBACTERIOSIS, AUTOSOMAL RECESSIVE; HYPER-IgE SYNDROME WITH ATYPICAL MYCOBACTERIOSIS, AUTOSOMAL RECESSIVE; TYK2 DEFICIENCY; Susceptibility to infection due to TYK2 deficiency. Identifiers: Orphanet 331226, MedGen C1969086, MONDO:0012682, OMIM 611521.
Inborn genetic diseases. Identifiers: MedGen C0950123, MeSH D030342.

Allele frequency attached by ClinVar (database versions not stated): TOPMed 0.00001.

Submissions (2):

Ambry Genetics
Classification: Uncertain significance for Inborn genetic diseases. Last evaluated: 2024-11-24. Review status: criteria provided, single submitter. Criteria: Ambry Variant Classification Scheme 2023. Collection method: clinical testing. Allele origin: germline.

Labcorp Genetics (formerly Invitae), Labcorp
Classification: Uncertain significance for Immunodeficiency 35. Last evaluated: 2017-08-05. Review status: criteria provided, single submitter. Criteria: Invitae Variant Classification Sherloc (09022015). Collection method: clinical testing. Allele origin: germline.
Comment: This sequence change replaces valine with alanine at codon 678 of the TYK2 protein (p.Val678Ala). The valine residue is highly conserved and there is a small physicochemical difference between valine and alanine. This variant is not present in population databases (ExAC no frequency). This variant has not been reported in the literature in individuals with TYK2-related disease. Algorithms developed to predict the effect of missense changes on protein structure and function do not agree on the potential impact of this missense change (SIFT: "Deleterious"; PolyPhen-2: "Probably Damaging"; Align-GVGD: "Class C0"). In summary, the available evidence is currently insufficient to determine the role of this variant in disease. Therefore, it has been classified as a Variant of Uncertain Significance.